The following is an entry in ClinVar:

NM_001384125.1(BLTP1):c.613G>A (p.Val205Ile)

Gene: BLTP1 (bridge-like lipid transfer protein family member 1; plus strand). Cytogenetic location: 4q27.
Variant type: single nucleotide variant.
Coding change: c.613G>A on transcript NM_001384125.1 (MANE Select); coding-DNA position 613, G replaced by A.
Protein change: p.Val205Ile; replaces valine 205 with isoleucine.
Molecular consequence: missense variant.
Genome position (GRCh38, 1-based): chr4:122,187,498, G>A. VCF-style: chr4-122187498-G-A. GRCh37 (hg19) VCF-style: chr4-123108653-G-A.
Other names: c.613G>A, p.Val205Ile (NM_015312.4); short protein forms V205I.
Identifiers: ClinVar variation 2662574 (VCV002662574.1), dbSNP rs766455757, ClinGen allele CA3065391.

ClinVar aggregate classification (germline): Uncertain significance (1 of 4 stars; one submission).

Allele frequency attached by ClinVar (database versions not stated): gnomAD 0.00001; TOPMed 0.00002; ExAC 0.00006.
gnomAD v4.1: 24 of 1,612,004 alleles (0.0015%); highest among the groups gnomAD compares: Non-Finnish European, 0.002%; no homozygotes.

Submission:

GeneDx
Classification: Uncertain significance. Last evaluated: 2023-11-14. Review status: criteria provided, single submitter. Criteria: GeneDx Variant Classification Process June 2021. Collection method: clinical testing. Allele origin: germline. Affected: yes.
Comment: In silico analysis supports that this missense variant does not alter protein structure/function; Has not been previously published as pathogenic or benign to our knowledge